The following is an entry in ClinVar:

ClinVar aggregate classification (germline): Uncertain significance (1 of 4 stars; one submission).

Conditions:
Hereditary cancer-predisposing syndrome. Also called: Neoplastic Syndromes, Hereditary; Tumor predisposition; Hereditary Cancer Syndrome; Hereditary neoplastic syndrome. Identifiers: Orphanet 140162, MedGen C0027672, MeSH D009386, MONDO:0015356.

Submission:

Ambry Genetics
Classification: Uncertain significance for Hereditary cancer-predisposing syndrome. Last evaluated: 2026-05-14. Review status: criteria provided, single submitter. Criteria: Ambry Variant Classification Scheme 2023. Collection method: clinical testing. Allele origin: germline.
Comment: The p.K708R variant (also known as c.2123A>G), located in coding exon 18 of the EGFR gene, results from an A to G substitution at nucleotide position 2123. The lysine at codon 708 is replaced by arginine, an amino acid with highly similar properties. This amino acid position is conserved. In addition, the in silico prediction for this alteration is inconclusive. Based on the available evidence, the clinical significance of this variant remains unclear.

NM_005228.5(EGFR):c.2123A>G (p.Lys708Arg)

Gene: EGFR (epidermal growth factor receptor; plus strand). Cytogenetic location: 7p11.2.
Variant type: single nucleotide variant.
Coding change: c.2123A>G on transcript NM_005228.5 (MANE Select); coding-DNA position 2123, A replaced by G.
Protein change: p.Lys708Arg; replaces lysine 708 with arginine.
Molecular consequence: missense variant.
Genome position (GRCh38, 1-based): chr7:55,173,982, A>G. VCF-style: chr7-55173982-A-G. GRCh37 (hg19) VCF-style: chr7-55241675-A-G.
Other names: c.1988A>G, p.Lys663Arg (NM_001346897.2, NM_001346899.2); c.2123A>G, p.Lys708Arg (NM_001346898.2); c.1964A>G, p.Lys655Arg (NM_001346900.2); c.1322A>G, p.Lys441Arg (NM_001346941.2); short protein forms K441R, K655R, K663R, K708R.
Identifiers: ClinVar variation 4870272 (VCV004870272.1).